The following is an entry in ClinVar:

ClinVar aggregate classification (germline): Uncertain significance (1 of 4 stars; one submission).

Conditions:
Autosomal dominant limb-girdle muscular dystrophy type 1G (LGMDD3). Also called: Limb-girdle muscular dystrophy, type 1G; MUSCULAR DYSTROPHY, LIMB-GIRDLE, AUTOSOMAL DOMINANT 3. Identifiers: Orphanet 55596, MedGen C1836765, MONDO:0012193, OMIM 609115.

Submission:

Labcorp Genetics (formerly Invitae), Labcorp
Classification: Uncertain significance for Autosomal dominant limb-girdle muscular dystrophy type 1G. Last evaluated: 2023-04-15. Review status: criteria provided, single submitter. Criteria: Invitae Variant Classification Sherloc (09022015). Collection method: clinical testing. Allele origin: germline.
Comment: This sequence change creates a premature translational stop signal (p.Gln96*) in the HNRNPDL gene. It is expected to result in an absent or disrupted protein product. However, the current clinical and genetic evidence is not sufficient to establish whether loss-of-function variants in HNRNPDL cause disease. This variant is not present in population databases (gnomAD no frequency). This variant has not been reported in the literature in individuals affected with HNRNPDL-related conditions. ClinVar contains an entry for this variant (Variation ID: 1488373). In summary, the available evidence is currently insufficient to determine the role of this variant in disease. Therefore, it has been classified as a Variant of Uncertain Significance.

NM_031372.4(HNRNPDL):c.286C>T (p.Gln96Ter)

Gene: HNRNPDL (heterogeneous nuclear ribonucleoprotein D like; minus strand). Cytogenetic location: 4q21.22.
Variant type: single nucleotide variant.
Coding change: c.286C>T on transcript NM_031372.4 (MANE Select); coding-DNA position 286, C replaced by T.
Protein change: p.Gln96Ter; replaces glutamine 96 with a stop codon.
Molecular consequence: nonsense. On other transcripts: non-coding transcript variant (1).
Genome position (GRCh38, 1-based): chr4:82,429,405, G>A on the plus strand (C>T on the coding strand, the complement: HNRNPDL is on the minus strand). VCF-style: chr4-82429405-G-A. GRCh37 (hg19) VCF-style: chr4-83350558-G-A.
Other names: c.286C>T, p.Gln96Ter (NM_001207000.1); short protein forms Q96*.
Identifiers: ClinVar variation 1488373 (VCV001488373.6), dbSNP rs921825556, ClinGen allele CA357172659.